The following is an entry in ClinVar:

NM_000548.5(TSC2):c.4081C>G (p.Arg1361Gly)

Gene: TSC2 (TSC complex subunit 2; plus strand). Cytogenetic location: 16p13.3.
Variant type: single nucleotide variant.
Coding change: c.4081C>G on transcript NM_000548.5 (MANE Select); coding-DNA position 4081, C replaced by G.
Protein change: p.Arg1361Gly; replaces arginine 1361 with glycine.
Molecular consequence: missense variant.
Genome position (GRCh38, 1-based): chr16:2,084,303, C>G. VCF-style: chr16-2084303-C-G. GRCh37 (hg19) VCF-style: chr16-2134304-C-G.
Other names: c.3880C>G, p.Arg1294Gly (NM_001077183.3); c.4012C>G, p.Arg1338Gly (NM_001114382.3); c.3772C>G, p.Arg1258Gly (NM_001318827.2); c.3736C>G, p.Arg1246Gly (NM_001318829.2); c.3349C>G, p.Arg1117Gly (NM_001318831.2); c.3913C>G, p.Arg1305Gly (NM_001318832.2); c.3883C>G, p.Arg1295Gly (NM_001363528.2); c.3949C>G, p.Arg1317Gly (NM_001370404.1); and 1 more; short protein forms R1117G, R1246G, R1258G, R1294G, R1295G, R1305G, R1317G, R1318G.
Identifiers: ClinVar variation 1197355 (VCV001197355.2), dbSNP rs560831385, ClinGen allele CA276753241.
Genomic context (GRCh38, chr16:2,084,303, plus strand): 5'-AGCCAGGAGGAGAAGTCGCTCCACGCGGAGGAGCTGGTTGGCAGGGGCATCCCCATCGAG[C>G]GAGTCGTCTCCTCGGAGGGTGGCCGGCCCTCTGTGGACCTCTCCTTCCAGCCCTCGCAGC-3'
Protein context (NP_000539.2, residues 1351-1371): ELVGRGIPIE[Arg1361Gly]VVSSEGGRPS

ClinVar aggregate classification (germline): Uncertain significance (1 of 4 stars; one submission).

gnomAD v4.1: 1 of 1,612,716 alleles (0.000062%); highest among the groups gnomAD compares: Non-Finnish European, 0.000085%; no homozygotes.

Submission:

GeneDx
Classification: Uncertain significance. Last evaluated: 2020-07-31. Review status: criteria provided, single submitter. Criteria: GeneDx Variant Classification Process June 2021. Collection method: clinical testing. Allele origin: germline. Affected: yes.
Comment: Not observed in large population cohorts (Lek et al., 2016); In silico analysis supports that this missense variant does not alter protein structure/function; Has not been previously published as pathogenic or benign to our knowledge